The following is an entry in ClinVar:

NM_032043.3(BRIP1):c.2575+12G>C

Gene: BRIP1 (BRCA1 interacting DNA helicase 1; minus strand). Cytogenetic location: 17q23.2.
Variant type: single nucleotide variant.
Coding change: c.2575+12G>C on transcript NM_032043.3 (MANE Select); 12 bases into the intron after coding-DNA position 2575, G replaced by C.
Molecular consequence: intron variant.
Genome position (GRCh38, 1-based): chr17:61,693,418, C>G on the plus strand (G>C on the coding strand, the complement: BRIP1 is on the minus strand). VCF-style: chr17-61693418-C-G. GRCh37 (hg19) VCF-style: chr17-59770779-C-G.
Identifiers: ClinVar variation 513154 (VCV000513154.5), dbSNP rs1555574706, ClinGen allele CA658798925.
Genomic context (GRCh38, chr17:61,693,418, plus strand): 5'-ATGTGTTTTTCACCACAATAAAAATATGAAGATTGTTACTAGTTTTTACTCTAAGCCCAG[C>G]TGAGATCTTACCAGATATATAGCGACTTGGGTTATTCCTAAAGCGATCATCCACTAGAAT-3'

ClinVar aggregate classification (germline): Likely benign. Review status: criteria provided, multiple submitters, no conflicts (2 of 4 stars). 2 submissions from 2 submitters: Likely benign (2). Last evaluated 2021-05-26.

Conditions:
Familial cancer of breast. Also called: BREAST CANCER, FAMILIAL; Hereditary breast cancer; hereditary breast carcinoma. Identifiers: Orphanet 227535, MedGen C0346153, MONDO:0016419, OMIM 114480. Disease mechanism: loss of function.
Fanconi anemia complementation group J. Also called: BRIP1-Related Fanconi Anemia. Identifiers: Orphanet 84, MedGen C1836860, MONDO:0012187, OMIM 609054.

Submissions (2):

Labcorp Genetics (formerly Invitae), Labcorp
Classification: Likely benign for Familial cancer of breast; Fanconi anemia complementation group J. Last evaluated: 2021-05-26. Review status: criteria provided, single submitter. Criteria: Invitae Variant Classification Sherloc (09022015). Collection method: clinical testing. Allele origin: germline.

GeneDx
Classification: Likely benign. Last evaluated: 2017-10-31. Review status: criteria provided, single submitter. Criteria: GeneDx Variant Classification (06012015). Collection method: clinical testing. Allele origin: germline. Affected: yes.
Comment: This variant is considered likely benign or benign based on one or more of the following criteria: it is a conservative change, it occurs at a poorly conserved position in the protein, it is predicted to be benign by multiple in silico algorithms, and/or has population frequency not consistent with disease.